The following is an entry in ClinVar:

ClinVar aggregate classification (germline): Pathogenic. Review status: criteria provided, multiple submitters, no conflicts (2 of 4 stars). 10 submissions from 10 submitters: Pathogenic (8). 2 of the submissions do not count toward it. Last evaluated 2026-05-13.

Conditions:
VPS13B-related disorder. Also called: VPS13B-related condition.
Inborn genetic diseases. Identifiers: MedGen C0950123, MeSH D030342.
Cohen syndrome (COH1). Also called: PEPPER SYNDROME; Cutis verticis gyrata, retinitis pigmentosa, and sensorineural deafness. Identifiers: Orphanet 193, MedGen C0265223, MONDO:0008999, OMIM 216550.

Submissions (10):

PreventionGenetics, part of Exact Sciences
Classification: Pathogenic for VPS13B-related condition. Last evaluated: 2026-05-13. Review status: criteria provided, single submitter. Criteria: ACMG Guidelines, 2015. Collection method: clinical testing. Allele origin: germline.
Comment: The VPS13B c.6002delC variant is predicted to result in a frameshift and premature protein termination (p.Pro2001Leufs*18). This variant has been reported in the compound heterozygous state in two individuals with Cohen syndrome (Reported as Pro1976LeufsTer18 in Table S1, Elliott et al. 2022. PubMed ID: 35599849; Table S1, Sather et al. 2023. PubMed ID: 37446072). This variant is reported in 0.0023% of alleles in individuals of European (non-Finnish) descent in gnomAD. Frameshift variants in VPS13B are expected to be pathogenic. This variant is interpreted as pathogenic.

St. Jude Molecular Pathology, St. Jude Children's Research Hospital
Classification: Pathogenic for Cohen syndrome. Last evaluated: 2026-02-20. Review status: criteria provided, single submitter. Criteria: St. Jude Assertion Criteria 2020. Collection method: clinical testing. Allele origin: germline.
Comment: The VPS13B c.5927del (p.Pro1976LeufsTer18) deletes one nucleotide to cause a frameshift and the creation of a premature stop codon. This change is predicted to cause protein truncation or absence of protein due to nonsense-mediated decay. Loss of function variants in VPS13B are known to be pathogenic (PMID: 19533689, 20656880). This variant has been reported in the compound heterozygous state in an individual with Cohen syndrome (PMID: 35599849). This variant has a maximum subpopulation frequency of 0.0023% in gnomAD v2.1.1. In summary, this variant meets criteria to be classified as pathogenic.

Natera, Inc.
Classification: Pathogenic for Cohen syndrome. Last evaluated: 2025-12-10. Review status: criteria provided, single submitter. Criteria: Natera Variant Classification Schema (03/2026). Collection method: clinical testing. Allele origin: germline.
Comment: The c.6002delC variant in VPS13B is a frameshift variant predicted to shift the reading frame beginning at codon 2001 and leads to a stop codon 18 codons downstream. This variant is expected to result in nonsense mediated decay, truncation, or a dysfunctional protein product. This variant is rare in the general population with a frequency below the threshold expected for the associated phenotype(s). This variant has been observed in one or more individuals affected with the associated recessive disease, as either homozygous or compound heterozygous with a second variant (PMID: 35599849). Given the available evidence, this variant is classified as Pathogenic.

Labcorp Genetics (formerly Invitae), Labcorp
Classification: Pathogenic for Cohen syndrome. Last evaluated: 2025-11-23. Review status: criteria provided, single submitter. Criteria: Invitae Variant Classification Sherloc (09022015). Collection method: clinical testing. Allele origin: germline.
Comment: This sequence change creates a premature translational stop signal (p.Pro2001Leufs*18) in the VPS13B gene. It is expected to result in an absent or disrupted protein product. Loss-of-function variants in VPS13B are known to be pathogenic (PMID: 15141358, 16648375, 20461111). This variant is present in population databases (rs755125969, gnomAD 0.002%). This variant has not been reported in the literature in individuals affected with VPS13B-related conditions. ClinVar contains an entry for this variant (Variation ID: 279779). For these reasons, this variant has been classified as Pathogenic.

GeneDx
Classification: Pathogenic. Last evaluated: 2024-08-20. Review status: criteria provided, single submitter. Criteria: GeneDx Variant Classification Process June 2021. Collection method: clinical testing. Allele origin: germline. Affected: yes.
Comment: Reported in a patient in the CAUSES study who also harbors an additional loss of function variant in the VPS13B gene (PMID: 35599849); Frameshift variant predicted to result in protein truncation or nonsense mediated decay in a gene for which loss-of-function is a known mechanism of disease; Not observed at significant frequency in large population cohorts (gnomAD); This variant is associated with the following publications: (PMID: 35599849)

Ambry Genetics
Classification: Pathogenic for Inborn genetic diseases. Last evaluated: 2024-04-09. Review status: criteria provided, single submitter. Criteria: Ambry Variant Classification Scheme 2023. Collection method: clinical testing. Allele origin: germline.
Comment: The c.6002delC (p.P2001Lfs*18) alteration, located in exon 35 (coding exon 34) of the VPS13B gene, consists of a deletion of one nucleotide at position 6002, causing a translational frameshift with a predicted alternate stop codon after 18 amino acids. This alteration is expected to result in loss of function by premature protein truncation or nonsense-mediated mRNA decay. Based on data from gnomAD, this allele has an overall frequency of 0.001% (3/282576) total alleles studied. The highest observed frequency was 0.002% (3/129028) of European (non-Finnish) alleles. Based on the available evidence, this alteration is classified as pathogenic.

Blueprint Genetics
Classification: Pathogenic for VPS13B-related disorders. Last evaluated: 2024-03-19. Review status: criteria provided, single submitter. Criteria: ACMG Guidelines, 2015. Collection method: clinical testing. Allele origin: germline. Affected: yes. Observed: 5 variant alleles.

Athena Diagnostics
Classification: Pathogenic. Last evaluated: 2023-09-26. Review status: criteria provided, single submitter. Criteria: Athena Diagnostics Criteria. Collection method: clinical testing. Allele origin: unknown.
Comment: This variant is expected to result in the loss of a functional protein. The frequency of this variant in the general population is consistent with pathogenicity. This variant has been identified in at least one individual with clinical features associated with this gene. In some published literature, this variant is referred to as c.5927del (p.Pro1976LeufsTer18).

Counsyl
Classification: Likely pathogenic for Cohen syndrome. Last evaluated: 2018-03-27. Review status: no assertion criteria provided. Collection method: clinical testing. Allele origin: unknown. Not counted in ClinVar's aggregate classification.

Molecular Genetics Laboratory, BC Children's and BC Women's Hospitals
Classification: Pathogenic for Cohen syndrome. Last evaluated: 2017-12-11. Review status: no assertion criteria provided. Criteria: ACMG Guidelines, 2015. Collection method: clinical testing. Allele origin: germline. Affected: yes. Not counted in ClinVar's aggregate classification.

Literature cited by the submitters: PubMed 35599849 (cited by Natera, Inc. and Athena Diagnostics); PubMed 15141358 (cited by Labcorp Genetics (formerly Invitae), Labcorp); PubMed 16648375 (cited by Labcorp Genetics (formerly Invitae), Labcorp); PubMed 20461111 (cited by Labcorp Genetics (formerly Invitae), Labcorp); PubMed 35488281 (cited by Athena Diagnostics).

NM_152564.5(VPS13B):c.5927del (p.Pro1976fs)

Gene: VPS13B (vacuolar protein sorting 13 homolog B; plus strand). Cytogenetic location: 8q22.2.
Variant type: Deletion.
Coding change: c.5927del on transcript NM_152564.5 (MANE Select); coding-DNA position 5927, one base deleted (C; older notation c.5927delC).
Protein change: p.Pro1976fs; shifts the reading frame from proline 1976.
Molecular consequence: frameshift variant.
Genome position (GRCh38, 1-based): chr8:99,661,372, C deleted; the last of 2 consecutive C bases (chr8:99,661,371-99,661,372); deleting either gives the same sequence. VCF-style (leftmost placement, unchanged base first): chr8-99661370-GC-G. GRCh37 (hg19) VCF-style: chr8-100673598-GC-G.
Other names: c.6002del, p.Pro2001fs (NM_017890.5); c.6002del (NM_017890.3); c.6002delC (NM_017890.4, NM_017890.3); c.5927del (NM_152564.4); short protein forms P1976fs, P2001fs.
Identifiers: ClinVar variation 279779 (VCV000279779.19), dbSNP rs755125969, ClinGen allele CA4823905.